The following is an entry in ClinVar:

NM_020461.4(TUBGCP6):c.881G>A (p.Arg294Gln)

Gene: TUBGCP6 (tubulin gamma complex component 6; minus strand). Cytogenetic location: 22q13.33.
Variant type: single nucleotide variant.
Coding change: c.881G>A on transcript NM_020461.4 (MANE Select); coding-DNA position 881, G replaced by A.
Protein change: p.Arg294Gln; replaces arginine 294 with glutamine.
Molecular consequence: missense variant.
Genome position (GRCh38, 1-based): chr22:50,240,228, C>T on the plus strand (G>A on the coding strand, the complement: TUBGCP6 is on the minus strand). VCF-style: chr22-50240228-C-T. GRCh37 (hg19) VCF-style: chr22-50678657-C-T.
Other names: short protein forms R294Q.
Identifiers: ClinVar variation 2188966 (VCV002188966.4), dbSNP rs2064823327, ClinGen allele CA412111958.

ClinVar aggregate classification (germline): Uncertain significance (1 of 4 stars; one submission).

Allele frequency attached by ClinVar (database versions not stated): gnomAD exomes below 0.00001; gnomAD 0.00001.
gnomAD v4.1: 5 of 1,613,844 alleles (0.00031%); highest among the groups gnomAD compares: South Asian, 0.0033%; 1 homozygote.

Submission:

Labcorp Genetics (formerly Invitae), Labcorp
Classification: Uncertain significance. Last evaluated: 2022-05-20. Review status: criteria provided, single submitter. Criteria: Invitae Variant Classification Sherloc (09022015). Collection method: clinical testing. Allele origin: germline.
Comment: In summary, the available evidence is currently insufficient to determine the role of this variant in disease. Therefore, it has been classified as a Variant of Uncertain Significance. Algorithms developed to predict the effect of missense changes on protein structure and function are either unavailable or do not agree on the potential impact of this missense change (SIFT: "Tolerated"; PolyPhen-2: "Possibly Damaging"; Align-GVGD: "Class C0"). This variant has not been reported in the literature in individuals affected with TUBGCP6-related conditions. This variant is not present in population databases (gnomAD no frequency). This sequence change replaces arginine, which is basic and polar, with glutamine, which is neutral and polar, at codon 294 of the TUBGCP6 protein (p.Arg294Gln).